The following is an entry in ClinVar:

NM_020738.4(KIDINS220):c.3812G>C (p.Ser1271Thr)

Gene: KIDINS220 (kinase D interacting substrate 220; minus strand). Cytogenetic location: 2p25.1.
Variant type: single nucleotide variant.
Coding change: c.3812G>C on transcript NM_020738.4 (MANE Select); coding-DNA position 3812, G replaced by C.
Protein change: p.Ser1271Thr; replaces serine 1271 with threonine.
Molecular consequence: missense variant. On other transcripts: non-coding transcript variant (2).
Genome position (GRCh38, 1-based): chr2:8,734,659, C>G on the plus strand (G>C on the coding strand, the complement: KIDINS220 is on the minus strand). VCF-style: chr2-8734659-C-G. GRCh37 (hg19) VCF-style: chr2-8874789-C-G.
Other names: c.3815G>C, p.Ser1272Thr (NM_001348729.2); c.3758G>C, p.Ser1253Thr (NM_001348731.2); c.3755G>C, p.Ser1252Thr (NM_001348732.2, NM_001348738.2); c.3644G>C, p.Ser1215Thr (NM_001348734.2, NM_001348739.2, NM_001348740.2); c.3641G>C, p.Ser1214Thr (NM_001348735.2, NM_001348741.2, NM_001348742.2 and 1 more transcripts); c.3515G>C, p.Ser1172Thr (NM_001348736.2); short protein forms S1172T, S1215T, S1272T, S1253T, S1252T, S1271T, S1214T.
Identifiers: ClinVar variation 2001198 (VCV002001198.4), dbSNP rs2527441362, ClinGen allele CA345768589.

ClinVar aggregate classification (germline): Uncertain significance (1 of 4 stars; one submission).

Submission:

Labcorp Genetics (formerly Invitae), Labcorp
Classification: Uncertain significance. Last evaluated: 2022-05-30. Review status: criteria provided, single submitter. Criteria: Invitae Variant Classification Sherloc (09022015). Collection method: clinical testing. Allele origin: germline.
Comment: In summary, the available evidence is currently insufficient to determine the role of this variant in disease. Therefore, it has been classified as a Variant of Uncertain Significance. Algorithms developed to predict the effect of missense changes on protein structure and function (SIFT, PolyPhen-2, Align-GVGD) all suggest that this variant is likely to be tolerated. This sequence change replaces serine, which is neutral and polar, with threonine, which is neutral and polar, at codon 1271 of the KIDINS220 protein (p.Ser1271Thr). This variant is not present in population databases (gnomAD no frequency). This variant has not been reported in the literature in individuals affected with KIDINS220-related conditions.